The following is an entry in ClinVar:

NM_001394062.1(MACF1):c.4262A>T (p.Glu1421Val)

Gene: MACF1 (microtubule actin crosslinking factor 1; plus strand). Cytogenetic location: 1p34.3.
Variant type: single nucleotide variant.
Coding change: c.4262A>T on transcript NM_001394062.1 (MANE Select); coding-DNA position 4262, A replaced by T.
Protein change: p.Glu1421Val; replaces glutamic acid 1421 with valine.
Molecular consequence: missense variant.
Genome position (GRCh38, 1-based): chr1:39,324,218, A>T. VCF-style: chr1-39324218-A-T. GRCh37 (hg19) VCF-style: chr1-39789890-A-T.
Other names: c.4277A>T, p.Glu1426Val (NM_012090.5); short protein forms E1421V, E1426V.
Identifiers: ClinVar variation 2354845 (VCV002354845.4), dbSNP rs150801039, ClinGen allele CA780245.

ClinVar aggregate classification (germline): Conflicting classifications of pathogenicity. Review status: criteria provided, conflicting classifications (1 of 4 stars). 3 submissions from 3 submitters: Uncertain significance (1); Likely benign (2). Last evaluated 2026-05-22.

Conditions:
MACF1-related disorder. Also called: MACF1-related condition.
Inborn genetic diseases. Identifiers: MedGen C0950123, MeSH D030342.

Allele frequency attached by ClinVar (database versions not stated): ESP Exome Variant Server 0.00008; gnomAD 0.00009; TOPMed 0.00011; gnomAD exomes 0.00014; ExAC 0.00022.
gnomAD v4.1: 208 of 1,609,568 alleles (0.013%); highest among the groups gnomAD compares: Middle Eastern, 0.23%; no homozygotes.

Submissions (3):

PreventionGenetics, part of Exact Sciences
Classification: Likely benign for MACF1-related condition. Last evaluated: 2026-05-22. Review status: criteria provided, single submitter. Criteria: ACMG Guidelines, 2015. Collection method: clinical testing. Allele origin: germline.
Comment: This variant is classified as likely benign based on ACMG/AMP sequence variant interpretation guidelines (Richards et al. 2015 PMID: 25741868, with internal and published modifications).

Labcorp Genetics (formerly Invitae), Labcorp
Classification: Uncertain significance. Last evaluated: 2024-01-04. Review status: criteria provided, single submitter. Criteria: Invitae Variant Classification Sherloc (09022015). Collection method: clinical testing. Allele origin: germline.
Comment: This sequence change replaces glutamic acid, which is acidic and polar, with valine, which is neutral and non-polar, at codon 1426 of the MACF1 protein (p.Glu1426Val). This variant is present in population databases (rs150801039, gnomAD 0.05%), and has an allele count higher than expected for a pathogenic variant. This variant has not been reported in the literature in individuals affected with MACF1-related conditions. ClinVar contains an entry for this variant (Variation ID: 2354845). An algorithm developed to predict the effect of missense changes on protein structure and function (PolyPhen-2) suggests that this variant is likely to be disruptive. In summary, the available evidence is currently insufficient to determine the role of this variant in disease. Therefore, it has been classified as a Variant of Uncertain Significance.

Ambry Genetics
Classification: Likely benign for Inborn genetic diseases. Last evaluated: 2021-10-12. Review status: criteria provided, single submitter. Criteria: Ambry Variant Classification Scheme 2023. Collection method: clinical testing. Allele origin: germline.